The following is an entry in ClinVar:

NM_001035.3(RYR2):c.2101G>A (p.Glu701Lys)

Gene: RYR2 (ryanodine receptor 2; plus strand). Cytogenetic location: 1q43.
Variant type: single nucleotide variant.
Coding change: c.2101G>A on transcript NM_001035.3 (MANE Select); coding-DNA position 2101, G replaced by A.
Protein change: p.Glu701Lys; replaces glutamic acid 701 with lysine.
Molecular consequence: missense variant.
Genome position (GRCh38, 1-based): chr1:237,496,650, G>A. VCF-style: chr1-237496650-G-A. GRCh37 (hg19) VCF-style: chr1-237659950-G-A.
Other names: c.2101G>A, p.Glu701Lys (LRG_402t1); short protein forms E701K.
Identifiers: ClinVar variation 296713 (VCV000296713.16), dbSNP rs748762074, ClinGen allele CA10610599.

ClinVar aggregate classification (germline): Uncertain significance. Review status: criteria provided, multiple submitters, no conflicts (2 of 4 stars). 3 submissions from 3 submitters: Uncertain significance (3). Last evaluated 2025-06-17.

Conditions:
Cardiomyopathy (CMYO). Also called: Cardiomyopathies. Identifiers: Orphanet 167848, MedGen C0878544, MONDO:0004994, HP:0001638. Inheritance: Various modes of inheritance.
Catecholaminergic polymorphic ventricular tachycardia 1. Also called: VENTRICULAR TACHYCARDIA, CATECHOLAMINERGIC POLYMORPHIC, 1, WITH OR WITHOUT ATRIAL DYSFUNCTION AND/OR DILATED CARDIOMYOPATHY; VENTRICULAR TACHYCARDIA, STRESS-INDUCED POLYMORPHIC 1; RYR2-Related Catecholaminergic Polymorphic Ventricular Tachycardia. Identifiers: Orphanet 3286, MedGen C1631597, MONDO:0011484, OMIM 604772.
Catecholaminergic polymorphic ventricular tachycardia (CVPT). Also called: Catecholamine-induced polymorphic ventricular tachycardia. Identifiers: Orphanet 3286, MedGen C5574922, MONDO:0017990.

Allele frequency attached by ClinVar (database versions not stated): gnomAD 0.00001; TOPMed 0.00001.
gnomAD v4.1: 47 of 1,613,850 alleles (0.0029%); highest among the groups gnomAD compares: Non-Finnish European, 0.0039%; no homozygotes.

Submissions (3):

Labcorp Genetics (formerly Invitae), Labcorp
Classification: Uncertain significance for Catecholaminergic polymorphic ventricular tachycardia 1. Last evaluated: 2025-06-17. Review status: criteria provided, single submitter. Criteria: Invitae Variant Classification Sherloc (09022015). Collection method: clinical testing. Allele origin: germline.
Comment: This sequence change replaces glutamic acid, which is acidic and polar, with lysine, which is basic and polar, at codon 701 of the RYR2 protein (p.Glu701Lys). This variant is present in population databases (no rsID available, gnomAD 0.003%). This variant has not been reported in the literature in individuals affected with RYR2-related conditions. ClinVar contains an entry for this variant (Variation ID: 296713). Invitae Evidence Modeling of protein sequence and biophysical properties (such as structural, functional, and spatial information, amino acid conservation, physicochemical variation, residue mobility, and thermodynamic stability) indicates that this missense variant is not expected to disrupt RYR2 protein function with a negative predictive value of 95%. In summary, the available evidence is currently insufficient to determine the role of this variant in disease. Therefore, it has been classified as a Variant of Uncertain Significance.

Color Diagnostics, LLC DBA Color Health
Classification: Uncertain significance for Cardiomyopathy. Last evaluated: 2024-03-06. Review status: criteria provided, single submitter. Criteria: ACMG Guidelines, 2015. Collection method: clinical testing. Allele origin: germline.
Comment: This missense variant replaces glutamic acid with lysine at codon 701 of the RYR2 protein. Computational prediction suggests that this variant may not impact protein structure and function (internally defined REVEL score threshold <= 0.5, PMID: 27666373). To our knowledge, functional studies have not been reported for this variant. This variant has not been reported in individuals affected with RYR2-related disorders in the literature. This variant has been identified in 4/280688 chromosomes in the general population by the Genome Aggregation Database (gnomAD). The available evidence is insufficient to determine the role of this variant in disease conclusively. Therefore, this variant is classified as a Variant of Uncertain Significance.

All of Us Research Program, National Institutes of Health
Classification: Uncertain significance for Catecholaminergic polymorphic ventricular tachycardia. Last evaluated: 2023-06-28. Review status: criteria provided, single submitter. Criteria: ACMG Guidelines, 2015. Collection method: clinical testing. Allele origin: germline. Inheritance: Autosomal dominant inheritance. Observed: 3 variant alleles, 3 heterozygotes.
Comment: This missense variant replaces glutamic acid with lysine at codon 701 of the RYR2 protein. Computational prediction tool suggests that this variant may not impact protein structure and function (internally defined REVEL score threshold <=0.5, PMID: 27666373). Splice site prediction tools suggest that this variant may not impact RNA splicing. To our knowledge, functional studies have not been performed for this variant. This variant has not been reported in individuals affected with cardiovascular disorders in the literature. This variant has been identified in 4/280688 chromosomes in the general population by the Genome Aggregation Database (gnomAD). The available evidence is insufficient to determine the role of this variant in disease conclusively. Therefore, this variant is classified as a Variant of Uncertain Significance.

This study involves interpretation of variants in research participants for the purpose of population health screening. Participant phenotype was not available at the time of variant classification. Additional details can be found in publication PMID: 35346344, PMCID: PMC8962531